The following is an entry in ClinVar:

ClinVar aggregate classification (germline): Pathogenic (1 of 4 stars; one submission).

Submission:

Seattle Children's Hospital Molecular Genetics Laboratory, Seattle Children's Hospital
Classification: Pathogenic. Last evaluated: 2021-04-12. Review status: criteria provided, single submitter. Criteria: ACMG Guidelines, 2015. Collection method: clinical testing. Allele origin: somatic. Affected: yes. Observed: 2 variant alleles.
Comment: This variant results in an in-frame deletion of two amino acids within the MAP2K1 catalytic kinase domain. This variant has not been observed in large population studies (Genome Aggregation Database v2.1.1). To our knowledge, this variant has not been reported in individuals with vascular malformation but has been reported in several individuals with Langerhans cell histiocytosis, a myeloproliferative disorder caused by MAPK pathway hyperactivation (Ref 1, 2). In vitro functional studies of the p.Glu102_Ile103del mutation demonstrated constitutive pathway activation that was sensitive to MEK inhibition (PMID: 25202140).

NM_002755.4(MAP2K1):c.303_308del (p.Glu102_Ile103del)

Gene: MAP2K1 (mitogen-activated protein kinase kinase 1; plus strand). Cytogenetic location: 15q22.31.
Variant type: Deletion.
Coding change: c.303_308del on transcript NM_002755.4 (MANE Select); coding-DNA positions 303 to 308, 6 bases deleted (GGAGAT; older notation c.303_308delGGAGAT).
Protein change: p.Glu102_Ile103del.
Molecular consequence: inframe deletion.
Genome position (GRCh38, 1-based): chr15:66,436,757-66,436,762, GGAGAT deleted; deleting any 6 consecutive bases within chr15:66,436,756-66,436,762 gives the same sequence; the c. name uses the placement nearest the transcript's 3' end. VCF-style (leftmost placement, unchanged base first): chr15-66436755-CTGGAGA-C. GRCh37 (hg19) VCF-style: chr15-66729093-CTGGAGA-C.
Identifiers: ClinVar variation 1691385 (VCV001691385.2), dbSNP rs2140583355, ClinGen allele CA645570546.